The following is an entry in ClinVar:

ClinVar aggregate classification (germline): Uncertain significance (1 of 4 stars; one submission).

Conditions:
Hereditary cancer-predisposing syndrome. Also called: Hereditary neoplastic syndrome; Neoplastic Syndromes, Hereditary; Tumor predisposition; Hereditary Cancer Syndrome. Identifiers: Orphanet 140162, MedGen C0027672, MeSH D009386, MONDO:0015356.

Submission:

Labcorp Genetics (formerly Invitae), Labcorp
Classification: Uncertain significance for Hereditary cancer-predisposing syndrome. Last evaluated: 2022-12-24. Review status: criteria provided, single submitter. Criteria: Invitae Variant Classification Sherloc (09022015). Collection method: clinical testing. Allele origin: unknown.
Comment: In summary, the available evidence is currently insufficient to determine the role of this variant in disease. Therefore, it has been classified as a Variant of Uncertain Significance. Experimental studies and prediction algorithms are not available or were not evaluated, and the functional significance of this variant is currently unknown. This variant has not been reported in the literature in individuals affected with RAD50-related conditions. This variant is a gross deletion of the genomic region encompassing exon(s) 18-19 of the RAD50 gene. This variant would be expected to be in-frame, preserving the integrity of the reading frame.

NC_000005.9:g.(?_131944789)_(131945108_?)del

Gene: RAD50 (RAD50 double strand break repair protein; plus strand). Cytogenetic location: 5q31.1.
Variant type: Deletion.
Identifiers: ClinVar variation 3246282 (VCV003246282.1).